The following is an entry in ClinVar:

NM_002843.4(PTPRJ):c.3230-10A>C

Gene: PTPRJ (protein tyrosine phosphatase receptor type J; plus strand). Cytogenetic location: 11p11.2.
Variant type: single nucleotide variant.
Coding change: c.3230-10A>C on transcript NM_002843.4 (MANE Select); 10 bases into the intron before coding-DNA position 3230, A replaced by C.
Molecular consequence: intron variant.
Genome position (GRCh38, 1-based): chr11:48,155,791, A>C. VCF-style: chr11-48155791-A-C. GRCh37 (hg19) VCF-style: chr11-48177343-A-C.
Identifiers: ClinVar variation 3031155 (VCV003031155.2), dbSNP rs1183346651, ClinGen allele CA2740093744.

ClinVar aggregate classification (germline): Likely benign (0 of 4 stars; one submission).

Conditions:
PTPRJ-related disorder. Also called: PTPRJ-related condition.

Submission:

PreventionGenetics, part of Exact Sciences
Classification: Likely benign for PTPRJ-related condition. Last evaluated: 2024-01-15. Review status: no assertion criteria provided. Collection method: clinical testing. Allele origin: germline.
Comment: This variant is classified as likely benign based on ACMG/AMP sequence variant interpretation guidelines (Richards et al. 2015 PMID: 25741868, with internal and published modifications).